The following is an entry in ClinVar:

ClinVar aggregate classification (germline): Likely benign. Review status: criteria provided, multiple submitters, no conflicts (2 of 4 stars). 2 submissions from 2 submitters: Likely benign (2). Last evaluated 2026-05-04.

Conditions:
ADCY3-related disorder. Also called: ADCY3-related condition.

gnomAD v4.1: 74 of 1,613,978 alleles (0.0046%); highest among the groups gnomAD compares: South Asian, 0.046%; 1 homozygote.

Submissions (2):

PreventionGenetics, part of Exact Sciences
Classification: Likely benign for ADCY3-related condition. Last evaluated: 2026-05-04. Review status: criteria provided, single submitter. Criteria: ACMG Guidelines, 2015. Collection method: clinical testing. Allele origin: germline.
Comment: This variant is classified as likely benign based on ACMG/AMP sequence variant interpretation guidelines (Richards et al. 2015 PMID: 25741868, with internal and published modifications).

Blueprint Genetics
Classification: Likely benign. Last evaluated: 2024-10-11. Review status: criteria provided, single submitter. Criteria: ACMG Guidelines, 2015. Collection method: clinical testing. Allele origin: germline.

NM_004036.5(ADCY3):c.2229G>A (p.Thr743=)

Gene: ADCY3 (adenylate cyclase 3; minus strand). Cytogenetic location: 2p23.3.
Variant type: single nucleotide variant.
Coding change: c.2229G>A on transcript NM_004036.5 (MANE Select); coding-DNA position 2229, G replaced by A.
Protein change: p.Thr743=; no amino-acid change (threonine 743 retained).
Molecular consequence: synonymous variant. On other transcripts: intron variant (2).
Genome position (GRCh38, 1-based): chr2:24,828,105, C>T on the plus strand (G>A on the coding strand, the complement: ADCY3 is on the minus strand). VCF-style: chr2-24828105-C-T. GRCh37 (hg19) VCF-style: chr2-25050974-C-T.
Other names: c.2229G>A (NM_001320613.1); c.2229G>A, p.Thr743= (NM_001320613.2, NM_001377132.1); c.2295G>A, p.Thr765= (NM_001377128.1); c.1506G>A, p.Thr502= (NM_001377131.1); c.2172+2604G>A (NM_001377130.1); c.2173-82G>A (NM_001377129.1).
Identifiers: ClinVar variation 4953962 (VCV004953962.2).
Genomic context (GRCh38, chr2:24,828,105, plus strand): 5'-GATGAGGGACAGCACGGCCACATAGTTGTAATACTTGGGGTTCTCCAGGCAGCTGCCCTC[C>T]GTTTCCATCCCTGCCGTTGCATTGCTGGGTCCCGTGTAGTACTGGAGACAGCTGAGCTGG-3'
Protein context (NP_004027.2, residues 733-753): GPSNATAGME[Thr743=]EGSCLENPKY